The following is an entry in ClinVar:

ClinVar aggregate classification (germline): Conflicting classifications of pathogenicity. Review status: criteria provided, conflicting classifications (1 of 4 stars). 2 submissions from 2 submitters: Uncertain significance (1); Likely benign (1). Last evaluated 2026-02-19.

Conditions:
TTN-related disorder. Also called: TTN-related disorders; TTN-related condition; TTN-related disease.

gnomAD v4.1: 92 of 1,612,164 alleles (0.0057%); highest among the groups gnomAD compares: Middle Eastern, 0.016%; no homozygotes.

Submissions (2):

PreventionGenetics, part of Exact Sciences
Classification: Uncertain significance for TTN-related condition. Last evaluated: 2026-02-19. Review status: criteria provided, single submitter. Criteria: ACMG Guidelines, 2015. Collection method: clinical testing. Allele origin: germline.
Comment: The TTN c.35428C>T variant is predicted to result in the amino acid substitution p.Arg11810Cys. To our knowledge, this variant has not been reported in the literature. This variant is reported in 0.0066% of alleles in individuals of South Asian descent in gnomAD. At this time, the clinical significance of this variant is uncertain due to the absence of conclusive functional and genetic evidence.

Blueprint Genetics
Classification: Likely benign. Last evaluated: 2022-09-01. Review status: criteria provided, single submitter. Criteria: ACMG Guidelines, 2015. Collection method: clinical testing. Allele origin: germline.

NM_001267550.2(TTN):c.35428C>T (p.Arg11810Cys)

Gene: TTN (titin; minus strand). Cytogenetic location: 2q31.2.
Variant type: single nucleotide variant.
Coding change: c.35428C>T on transcript NM_001267550.2 (MANE Select); coding-DNA position 35428, C replaced by T.
Protein change: p.Arg11810Cys; replaces arginine 11810 with cysteine.
Molecular consequence: missense variant. On other transcripts: intron variant (5).
Genome position (GRCh38, 1-based): chr2:178,669,634, G>A on the plus strand (C>T on the coding strand, the complement: TTN is on the minus strand). VCF-style: chr2-178669634-G-A. GRCh37 (hg19) VCF-style: chr2-179534361-G-A.
Other names: c.13283-27317C>T (NM_003319.4); c.13859-27317C>T (NM_133437.4); c.13658-27317C>T (NM_133432.3); c.31483+584C>T (NM_133378.4); c.34264+584C>T (NM_001256850.1); short protein forms R11810C.
Identifiers: ClinVar variation 4958511 (VCV004958511.2).